The following is an entry in ClinVar:

ClinVar aggregate classification (germline): Pathogenic (1 of 4 stars; one submission).

Conditions:
Charcot-Marie-Tooth disease recessive intermediate C. Also called: CHARCOT-MARIE-TOOTH NEUROPATHY, RECESSIVE INTERMEDIATE C. Identifiers: Orphanet 369867, MedGen C3809309, MONDO:0014154, OMIM 615376.
Neuronopathy, distal hereditary motor, autosomal recessive 4. Also called: Autosomal recessive lower motor neuron disease with childhood onset; NEUROPATHY, DISTAL HEREDITARY MOTOR, AUTOSOMAL RECESSIVE 4. Identifiers: Orphanet 206580, MedGen C1970211, MONDO:0012608, OMIM 611067.

Submission:

Labcorp Genetics (formerly Invitae), Labcorp
Classification: Pathogenic for Distal spinal muscular atrophy, autosomal recessive 4; Charcot-Marie-Tooth disease, recessive intermediate c. Last evaluated: 2019-04-02. Review status: criteria provided, single submitter. Criteria: Invitae Variant Classification Sherloc (09022015). Collection method: clinical testing. Allele origin: germline.
Comment: This sequence change creates a premature translational stop signal (p.His485Profs*169) in the PLEKHG5 gene. It is expected to result in an absent or disrupted protein product. This variant is not present in population databases (ExAC no frequency). This variant has not been reported in the literature in individuals with PLEKHG5-related conditions. Loss-of-function variants in PLEKHG5 are known to be pathogenic (PMID: 17564964, 23777631). For these reasons, this variant has been classified as Pathogenic.

NM_020631.6(PLEKHG5):c.1452_1453del (p.His485fs)

Gene: PLEKHG5 (pleckstrin homology and RhoGEF domain containing G5; minus strand). Cytogenetic location: 1p36.31.
Variant type: Deletion.
Coding change: c.1452_1453del on transcript NM_020631.6 (MANE Select); coding-DNA positions 1452 to 1453, 2 bases deleted (CC; older notation c.1452_1453delCC).
Protein change: p.His485fs; shifts the reading frame from histidine 485.
Molecular consequence: frameshift variant.
Genome position (GRCh38, 1-based): chr1:6,470,824-6,470,825, GG deleted on the plus strand (CC on the coding strand, the reverse complement: PLEKHG5 is on the minus strand); deleting any 2 consecutive bases within chr1:6,470,824-6,470,827 gives the same sequence; the c. name uses the placement nearest the transcript's 3' end. VCF-style (leftmost placement, unchanged base first): chr1-6470823-TGG-T. GRCh37 (hg19) VCF-style: chr1-6530883-TGG-T.
Other names: c.1563_1564del, p.His522fs (NM_001042663.3, NM_001265592.2); c.1450_1451delCC, p.His485Profs (NM_001042664.2, NM_001042665.2, NM_001265594.3); c.1657_1658delCC, p.His554Profs (NM_001265593.2); c.1452_1453del, p.His485fs (NM_198681.4); short protein forms H554fs, H485fs, H522fs.
Identifiers: ClinVar variation 855821 (VCV000855821.1), dbSNP rs1644549927, ClinGen allele CA916080223.